The following is an entry in ClinVar:

ClinVar aggregate classification (germline): Benign. Review status: criteria provided, multiple submitters, no conflicts (2 of 4 stars). 3 submissions from 3 submitters: Benign (2). 1 of the submissions does not count toward it. Last evaluated 2019-12-31.

Conditions:
PLXND1-related disorder. Also called: PLXND1-related condition.

Allele frequency attached by ClinVar (database versions not stated): TOPMed 0.00029.
gnomAD v4.1: 321 of 1,609,712 alleles (0.02%); highest among the groups gnomAD compares: Admixed American, 0.42%; 2 homozygotes.

Submissions (3):

Labcorp Genetics (formerly Invitae), Labcorp
Classification: Benign. Last evaluated: 2019-12-31. Review status: criteria provided, single submitter. Criteria: Invitae Variant Classification Sherloc (09022015). Collection method: clinical testing. Allele origin: germline.

Breakthrough Genomics
Classification: Benign. Review status: criteria provided, single submitter. Criteria: ACMG Guidelines, 2015. Collection method: not provided. Allele origin: germline. Inheritance: Unknown mechanism. Affected: yes.

PreventionGenetics, part of Exact Sciences
Classification: Likely benign for PLXND1-related condition. Last evaluated: 2019-03-05. Review status: no assertion criteria provided. Collection method: clinical testing. Allele origin: germline. Not counted in ClinVar's aggregate classification.
Comment: This variant is classified as likely benign based on ACMG/AMP sequence variant interpretation guidelines (Richards et al. 2015 PMID: 25741868, with internal and published modifications).

NM_015103.3(PLXND1):c.2937+10G>T

Gene: PLXND1 (plexin D1; minus strand). Cytogenetic location: 3q22.1.
Variant type: single nucleotide variant.
Coding change: c.2937+10G>T on transcript NM_015103.3 (MANE Select); 10 bases into the intron after coding-DNA position 2937, G replaced by T.
Molecular consequence: intron variant.
Genome position (GRCh38, 1-based): chr3:129,572,832, C>A on the plus strand (G>T on the coding strand, the complement: PLXND1 is on the minus strand). VCF-style: chr3-129572832-C-A. GRCh37 (hg19) VCF-style: chr3-129291675-C-A.
Identifiers: ClinVar variation 731022 (VCV000731022.7), dbSNP rs376825658, ClinGen allele CA2608819.